The following is an entry in ClinVar:

ClinVar aggregate classification (germline): Pathogenic (1 of 4 stars; one submission).

Conditions:
Cardiovascular phenotype. Identifiers: MedGen CN230736.
Hereditary cancer-predisposing syndrome. Also called: Hereditary Cancer Syndrome; Hereditary neoplastic syndrome; Neoplastic Syndromes, Hereditary; Tumor predisposition. Identifiers: Orphanet 140162, MedGen C0027672, MeSH D009386, MONDO:0015356.

Submission:

Ambry Genetics
Classification: Pathogenic for Cardiovascular phenotype; Hereditary cancer-predisposing syndrome. Last evaluated: 2022-02-28. Review status: criteria provided, single submitter. Criteria: Ambry Variant Classification Scheme 2023. Collection method: clinical testing. Allele origin: germline.
Comment: The c.946delG pathogenic mutation, located in coding exon 9 of the LZTR1 gene, results from a deletion of one nucleotide at nucleotide position 946, causing a translational frameshift with a predicted alternate stop codon (p.V316Wfs*35). This alteration is expected to result in loss of function by premature protein truncation or nonsense-mediated mRNA decay. This variant is considered to be rare based on population cohorts in the Genome Aggregation Database (gnomAD). Loss-of-function variants in LZTR1 are related to an increased risk for schwannomas and autosomal recessive Noonan syndrome; however, such associations with autosomal dominant Noonan syndrome have not been observed (Piotrowski A et al. Nat Genet. 2014 Feb;46:182-7; Yamamoto GL et al. J Med Genet. 2015 Jun;52:413-21; Johnston JJ et al. Genet Med. 2018 10;20:1175-1185). Based on the supporting evidence, this variant is pathogenic for an increased risk of LZTR1-related schwannomatosis (SWN) and would be expected to cause autosomal recessive Noonan syndrome when present along with a second pathogenic or likely pathogenic variant on the other allele; however, the association of this alteration with autosomal dominant Noonan syndrome is unlikely.

NM_006767.4(LZTR1):c.946del (p.Val316fs)

Gene: LZTR1 (leucine zipper like post translational regulator 1; plus strand). Cytogenetic location: 22q11.21.
Variant type: Deletion.
Coding change: c.946del on transcript NM_006767.4 (MANE Select); coding-DNA position 946, one base deleted (G; older notation c.946delG).
Protein change: p.Val316fs; shifts the reading frame from valine 316.
Molecular consequence: frameshift variant.
Genome position (GRCh38, 1-based): chr22:20,991,782, G deleted. VCF-style (leftmost placement, unchanged base first): chr22-20991781-CG-C. GRCh37 (hg19) VCF-style: chr22-21346070-CG-C.
Other names: short protein forms V316fs.
Identifiers: ClinVar variation 1767060 (VCV001767060.2), dbSNP rs2518617308, ClinGen allele CA2580099211.